The following is an entry in ClinVar:

ClinVar aggregate classification (germline): Uncertain significance. Review status: criteria provided, multiple submitters, no conflicts (2 of 4 stars). 2 submissions from 2 submitters: Uncertain significance (2). Last evaluated 2025-10-26.

Conditions:
Hereditary cancer-predisposing syndrome. Also called: Neoplastic Syndromes, Hereditary; Hereditary Cancer Syndrome; Hereditary neoplastic syndrome; Tumor predisposition. Identifiers: Orphanet 140162, MedGen C0027672, MeSH D009386, MONDO:0015356.

Submissions (2):

Ambry Genetics
Classification: Uncertain significance for Hereditary cancer-predisposing syndrome. Last evaluated: 2025-10-26. Review status: criteria provided, single submitter. Criteria: Ambry Variant Classification Scheme 2023. Collection method: clinical testing. Allele origin: germline.
Comment: The p.V460A variant (also known as c.1379T>C), located in coding exon 14 of the POLE gene, results from a T to C substitution at nucleotide position 1379. The valine at codon 460 is replaced by alanine, an amino acid with similar properties. This amino acid position is highly conserved in available vertebrate species. In addition, the in silico prediction for this alteration is inconclusive. Since supporting evidence is limited at this time, the clinical significance of this alteration remains unclear.

Labcorp Genetics (formerly Invitae), Labcorp
Classification: Uncertain significance. Last evaluated: 2023-11-25. Review status: criteria provided, single submitter. Criteria: Invitae Variant Classification Sherloc (09022015). Collection method: clinical testing. Allele origin: germline.
Comment: This sequence change replaces valine, which is neutral and non-polar, with alanine, which is neutral and non-polar, at codon 460 of the POLE protein (p.Val460Ala). This variant is not present in population databases (gnomAD no frequency). This variant has not been reported in the literature in individuals affected with POLE-related conditions. ClinVar contains an entry for this variant (Variation ID: 2562925). Advanced modeling of protein sequence and biophysical properties (such as structural, functional, and spatial information, amino acid conservation, physicochemical variation, residue mobility, and thermodynamic stability) performed at Invitae indicates that this missense variant is expected to disrupt POLE protein function with a positive predictive value of 80%. In summary, the available evidence is currently insufficient to determine the role of this variant in disease. Therefore, it has been classified as a Variant of Uncertain Significance.

NM_006231.4(POLE):c.1379T>C (p.Val460Ala)

Gene: POLE (DNA polymerase epsilon, catalytic subunit; minus strand). Cytogenetic location: 12q24.33.
Variant type: single nucleotide variant.
Coding change: c.1379T>C on transcript NM_006231.4 (MANE Select); coding-DNA position 1379, T replaced by C.
Protein change: p.Val460Ala; replaces valine 460 with alanine.
Molecular consequence: missense variant.
Genome position (GRCh38, 1-based): chr12:132,673,258, A>G on the plus strand (T>C on the coding strand, the complement: POLE is on the minus strand). VCF-style: chr12-132673258-A-G. GRCh37 (hg19) VCF-style: chr12-133249844-A-G.
Other names: short protein forms V460A.
Identifiers: ClinVar variation 2562925 (VCV002562925.6), dbSNP rs2135996858, ClinGen allele CA387358736.